The following is an entry in ClinVar:

ClinVar aggregate classification (germline): Uncertain significance. Review status: criteria provided, single submitter (1 of 4 stars). 2 submissions from 2 submitters: Uncertain significance (1). 1 of the submissions does not count toward it. Last evaluated 2025-12-03.

Conditions:
IQSEC2-related disorder. Also called: IQSEC2-related condition.

Submissions (2):

GeneDx
Classification: Uncertain significance. Last evaluated: 2025-12-03. Review status: criteria provided, single submitter. Criteria: GeneDx Variant Classification Process June 2021. Collection method: clinical testing. Allele origin: germline.
Comment: Not observed at significant frequency in large population cohorts (gnomAD); In silico analysis suggests that this missense variant does not alter protein structure/function; Has not been previously published as pathogenic or benign to our knowledge

PreventionGenetics, part of Exact Sciences
Classification: Uncertain significance for IQSEC2-related condition. Last evaluated: 2024-02-12. Review status: no assertion criteria provided. Collection method: clinical testing. Allele origin: germline. Not counted in ClinVar's aggregate classification.
Comment: The IQSEC2 c.437G>A variant is predicted to result in the amino acid substitution p.Gly146Asp. To our knowledge, this variant has not been reported in the literature or in a large population database, indicating this variant is rare. At this time, the clinical significance of this variant is uncertain due to the absence of conclusive functional and genetic evidence.

NM_001111125.3(IQSEC2):c.437G>A (p.Gly146Asp)

Gene: IQSEC2 (IQ motif and Sec7 domain ArfGEF 2; minus strand). Cytogenetic location: Xp11.22.
Variant type: single nucleotide variant.
Coding change: c.437G>A on transcript NM_001111125.3 (MANE Select); coding-DNA position 437, G replaced by A.
Protein change: p.Gly146Asp; replaces glycine 146 with aspartic acid.
Molecular consequence: missense variant.
Genome position (GRCh38, 1-based): chrX:53,320,687, C>T on the plus strand (G>A on the coding strand, the complement: IQSEC2 is on the minus strand). VCF-style: chrX-53320687-C-T. GRCh37 (hg19) VCF-style: chrX-53349885-C-T.
Other names: c.437G>A, p.Gly146Asp (NM_001410736.1); c.437G>A (NM_001111125.1); short protein forms G146D.
Identifiers: ClinVar variation 3029747 (VCV003029747.4), dbSNP rs2520587966, ClinGen allele CA413239346.
Genomic context (GRCh38, chrX:53,320,687, plus strand): 5'-AGGGCTGGGTTCTCGTGGTGCAGGTGGCACTGGGCCACGTCACGCTCGCGGGCTGTGTAA[C>T]CGGTAGTGTCCTGGAGCGGGTAGGAGGCGTCCCGCTCCTTGTCCCGATACACAGCCTCCC-3'
Protein context (NP_001104595.1, residues 136-156): DASYPLQDTT[Gly146Asp]YTARERDVAQ